The following is an entry in ClinVar:

NM_004655.4(AXIN2):c.2129C>G (p.Pro710Arg)

Gene: AXIN2 (axin 2; minus strand). Cytogenetic location: 17q24.1.
Variant type: single nucleotide variant.
Coding change: c.2129C>G on transcript NM_004655.4 (MANE Select); coding-DNA position 2129, C replaced by G.
Protein change: p.Pro710Arg; replaces proline 710 with arginine.
Molecular consequence: missense variant.
Genome position (GRCh38, 1-based): chr17:65,536,332, G>C on the plus strand (C>G on the coding strand, the complement: AXIN2 is on the minus strand). VCF-style: chr17-65536332-G-C. GRCh37 (hg19) VCF-style: chr17-63532450-G-C.
Other names: c.1934C>G, p.Pro645Arg (NM_001363813.1); short protein forms P645R, P710R.
Identifiers: ClinVar variation 4741986 (VCV004741986.1).

ClinVar aggregate classification (germline): Uncertain significance (1 of 4 stars; one submission).

Conditions:
Oligodontia-cancer predisposition syndrome. Also called: TOOTH AGENESIS-COLORECTAL CANCER SYNDROME. Identifiers: Orphanet 300576, MedGen C1837750, MONDO:0012075, OMIM 608615. Disease mechanism: loss of function.

Submission:

Labcorp Genetics (formerly Invitae), Labcorp
Classification: Uncertain significance for Oligodontia-cancer predisposition syndrome. Last evaluated: 2025-11-22. Review status: criteria provided, single submitter. Criteria: Invitae Variant Classification Sherloc (09022015). Collection method: clinical testing. Allele origin: germline.
Comment: This sequence change replaces proline, which is neutral and non-polar, with arginine, which is basic and polar, at codon 710 of the AXIN2 protein (p.Pro710Arg). This variant is not present in population databases (gnomAD no frequency). This variant has not been reported in the literature in individuals affected with AXIN2-related conditions. Invitae Evidence Modeling of protein sequence and biophysical properties (such as structural, functional, and spatial information, amino acid conservation, physicochemical variation, residue mobility, and thermodynamic stability) indicates that this missense variant is not expected to disrupt AXIN2 protein function with a negative predictive value of 80%. In summary, the available evidence is currently insufficient to determine the role of this variant in disease. Therefore, it has been classified as a Variant of Uncertain Significance.